The following is an entry in ClinVar:

ClinVar aggregate classification (germline): Uncertain significance (1 of 4 stars; one submission).

Conditions:
Neurodevelopmental disorder with hypotonia, stereotypic hand movements, and impaired language. Also called: Intellectual disability, autosomal dominant 20. Identifiers: Orphanet 228384, Orphanet 664410, MedGen C3150700, MONDO:0013266, OMIM 613443.

Allele frequency attached by ClinVar (database versions not stated): TOPMed below 0.00001; gnomAD exomes 0.00001.
gnomAD v4.1: 4 of 1,613,858 alleles (0.00025%); highest among the groups gnomAD compares: Non-Finnish European, 0.00034%; no homozygotes.

Submission:

Labcorp Genetics (formerly Invitae), Labcorp
Classification: Uncertain significance for Neurodevelopmental disorder with hypotonia, stereotypic hand movements, and impaired language. Last evaluated: 2021-07-17. Review status: criteria provided, single submitter. Criteria: Invitae Variant Classification Sherloc (09022015). Collection method: clinical testing. Allele origin: germline.
Comment: In summary, the available evidence is currently insufficient to determine the role of this variant in disease. Therefore, it has been classified as a Variant of Uncertain Significance. Algorithms developed to predict the effect of missense changes on protein structure and function (SIFT, PolyPhen-2, Align-GVGD) all suggest that this variant is likely to be tolerated. This variant has not been reported in the literature in individuals affected with MEF2C-related conditions. This variant is not present in population databases (ExAC no frequency). This sequence change replaces isoleucine with valine at codon 447 of the MEF2C protein (p.Ile447Val). The isoleucine residue is moderately conserved and there is a small physicochemical difference between isoleucine and valine.

NM_002397.5(MEF2C):c.1339A>G (p.Ile447Val)

Genes: MEF2C-AS2 (MEF2C antisense RNA 2; plus strand), MEF2C (myocyte enhancer factor 2C; minus strand). Cytogenetic location: 5q14.3.
Variant type: single nucleotide variant.
Coding change: c.1339A>G on transcript NM_002397.5 (MANE Select); coding-DNA position 1339, A replaced by G.
Protein change: p.Ile447Val; replaces isoleucine 447 with valine.
Molecular consequence: missense variant. On other transcripts: non-coding transcript variant (1), 3 prime UTR variant (9).
Genome position (GRCh38, 1-based): chr5:88,722,687, T>C on the plus strand (A>G on the coding strand, the complement: MEF2C is on the minus strand). VCF-style: chr5-88722687-T-C. GRCh37 (hg19) VCF-style: chr5-88018504-T-C.
Other names: c.1309A>G, p.Ile437Val (NM_001131005.2); c.1369A>G, p.Ile457Val (NM_001193347.1); c.1171A>G, p.Ile391Val (NM_001193348.1); c.1099A>G, p.Ile367Val (NM_001193349.3, NM_001364332.2); c.1339A>G, p.Ile447Val (NM_001193350.2, NM_001364329.2, NM_001364330.2 and 1 more transcripts); c.1315A>G, p.Ile439Val (NM_001308002.3, NM_001364333.2); c.1243A>G, p.Ile415Val (NM_001363581.2, NM_001364334.2, NM_001364335.2 and 2 more transcripts); c.1273A>G, p.Ile425Val (NM_001364338.2); and 7 more; short protein forms I367V, I425V, I391V, I407V, I437V, I265V, I321V, I399V.
Identifiers: ClinVar variation 1350940 (VCV001350940.8), dbSNP rs1756753374, ClinGen allele CA360421858.
Genomic context (GRCh38, chr5:88,722,687, plus strand): 5'-GTCGCATGCGCTTGACTGAGGGACTTTCCCTTTCGTCCGGCGAAGGTCTGGTGAGTCCAA[T>C]GGGGGAGTGGAATTCGTTCCGGTGATCCTCTCGGTCGCTCCCGTCGTACGAACTGCTACA-3'
Protein context (NP_002388.2, residues 437-457): EDHRNEFHSP[Ile447Val]GLTRPSPDER